The following is an entry in ClinVar:

ClinVar aggregate classification (germline): Uncertain significance (1 of 4 stars; one submission).

Conditions:
Inborn genetic diseases. Identifiers: MedGen C0950123, MeSH D030342.

Allele frequency attached by ClinVar (database versions not stated): gnomAD 0.00001; TOPMed 0.00001.

Submission:

Ambry Genetics
Classification: Uncertain significance for Inborn genetic diseases. Last evaluated: 2020-04-30. Review status: criteria provided, single submitter. Criteria: Ambry Variant Classification Scheme 2023. Collection method: clinical testing. Allele origin: germline.
Comment: The c.7232_7235dupATTA variant, located in coding exon 40 of the SPG11 gene, results from a duplication of ATTA at nucleotide position 7232, causing a translational frameshift with a predicted alternate stop codon (p.Y2412*). Premature stop codons are typically deleterious in nature; however, this stop codon occurs at the 3' terminus of SPG11, is not expected to trigger nonsense-mediated mRNA decay, and impacts only the last 32 amino acids of the protein. The exact functional impact of these removed amino acids is unknown at this time. Since supporting evidence is limited at this time, the clinical significance of this alteration remains unclear.

NM_025137.4(SPG11):c.7232_7235dup (p.Tyr2412Ter)

Gene: SPG11 (SPG11 vesicle trafficking associated, spatacsin; minus strand). Cytogenetic location: 15q21.1.
Variant type: Duplication.
Coding change: c.7232_7235dup on transcript NM_025137.4 (MANE Select); coding-DNA positions 7232 to 7235, 4 bases duplicated (ATTA; older notation c.7232_7235dupATTA).
Protein change: p.Tyr2412Ter; replaces tyrosine 2412 with a stop codon.
Molecular consequence: nonsense. On other transcripts: frameshift variant (1).
Genome position (GRCh38, 1-based): chr15:44,563,218-44,563,221, TAAT duplicated on the plus strand (ATTA on the coding strand, the reverse complement: SPG11 is on the minus strand). VCF-style (leftmost placement, unchanged base first): chr15-44563217-G-GTAAT. GRCh37 (hg19) VCF-style: chr15-44855415-G-GTAAT.
Other names: c.6893_6896dup, p.Tyr2299Ter (NM_001160227.2); c.7088_7091dup, p.Tyr2364Terfs (NM_001411132.1); short protein forms Y2299*, Y2412*.
Identifiers: ClinVar variation 1757822 (VCV001757822.2), dbSNP rs1265340667, ClinGen allele CA713044594.
Genomic context (GRCh38, chr15:44,563,217, plus strand): 5'-CTGAGGGTCCTTCAGAAGCACATTTACAATTTCATAAAACTTGTGTTCGTATGCCAACTT[G>GTAAT]TAATACAGGTAAACATCTTCACAATATGTGAGTAATTTCTTCAGGTTTTCCATGACCATG-3'